The following is an entry in ClinVar:

NM_004304.5(ALK):c.3187C>A (p.His1063Asn)

Gene: ALK (ALK receptor tyrosine kinase; minus strand). Cytogenetic location: 2p23.2.
Variant type: single nucleotide variant.
Coding change: c.3187C>A on transcript NM_004304.5 (MANE Select); coding-DNA position 3187, C replaced by A.
Protein change: p.His1063Asn; replaces histidine 1063 with asparagine.
Molecular consequence: missense variant. On other transcripts: 5 prime UTR variant (1).
Genome position (GRCh38, 1-based): chr2:29,223,514, G>T on the plus strand (C>A on the coding strand, the complement: ALK is on the minus strand). VCF-style: chr2-29223514-G-T. GRCh37 (hg19) VCF-style: chr2-29446380-G-T.
Other names: c.-18C>A (NM_001353765.2); short protein forms H1063N.
Identifiers: ClinVar variation 2758373 (VCV002758373.3), dbSNP rs1669867065, ClinGen allele CA346465689.

ClinVar aggregate classification (germline): Uncertain significance (1 of 4 stars; one submission).

Conditions:
Neuroblastoma, susceptibility to, 3. Also called: ALK-Related Neuroblastic Tumor Susceptibility. Identifiers: Orphanet 635, MedGen C2751681, MONDO:0013083, OMIM 613014.

Submission:

Labcorp Genetics (formerly Invitae), Labcorp
Classification: Uncertain significance for Neuroblastoma, susceptibility to, 3. Last evaluated: 2023-09-06. Review status: criteria provided, single submitter. Criteria: Invitae Variant Classification Sherloc (09022015). Collection method: clinical testing. Allele origin: germline.
Comment: This variant is not present in population databases (gnomAD no frequency). This variant has not been reported in the literature in individuals affected with ALK-related conditions. This sequence change replaces histidine, which is basic and polar, with asparagine, which is neutral and polar, at codon 1063 of the ALK protein (p.His1063Asn). An algorithm developed to predict the effect of missense changes on protein structure and function (PolyPhen-2) suggests that this variant is likely to be disruptive. In summary, the available evidence is currently insufficient to determine the role of this variant in disease. Therefore, it has been classified as a Variant of Uncertain Significance.